The following is an entry in ClinVar:

NM_004168.4(SDHA):c.1909G>A (p.Val637Ile)

Gene: SDHA (succinate dehydrogenase complex flavoprotein subunit A; plus strand). Cytogenetic location: 5p15.33.
Variant type: single nucleotide variant.
Coding change: c.1909G>A on transcript NM_004168.4 (MANE Select); coding-DNA position 1909, G replaced by A.
Protein change: p.Val637Ile; replaces valine 637 with isoleucine.
Molecular consequence: missense variant.
Genome position (GRCh38, 1-based): chr5:256,334, G>A. VCF-style: chr5-256334-G-A. GRCh37 (hg19) VCF-style: chr5-256449-G-A.
Other names: c.1909G>A (NM_004168.2); c.1765G>A, p.Val589Ile (NM_001294332.2); c.1666G>A, p.Val556Ile (NM_001330758.2); short protein forms V637I, V589I, V556I.
Identifiers: ClinVar variation 639620 (VCV000639620.10), dbSNP rs769599373, ClinGen allele CA359002558.

ClinVar aggregate classification (germline): Uncertain significance. Review status: criteria provided, multiple submitters, no conflicts (2 of 4 stars). 2 submissions from 2 submitters: Uncertain significance (2). Last evaluated 2023-03-02.

Conditions:
Mitochondrial complex II deficiency, nuclear type 1. Also called: SUCCINATE CoQ REDUCTASE DEFICIENCY. Identifiers: Orphanet 3208, MedGen C5700310, MONDO:0100294, OMIM 252011.
Pheochromocytoma/paraganglioma syndrome 5. Also called: Paragangliomas 5; SDHA-Related Hereditary Paraganglioma-Pheochromocytoma Syndrome. Identifiers: Orphanet 29072, MedGen C3279992, MONDO:0013602, OMIM 614165.
Hereditary cancer-predisposing syndrome. Also called: Neoplastic Syndromes, Hereditary; Tumor predisposition; Hereditary neoplastic syndrome; Hereditary Cancer Syndrome. Identifiers: Orphanet 140162, MedGen C0027672, MeSH D009386, MONDO:0015356.

Submissions (2):

Ambry Genetics
Classification: Uncertain significance for Hereditary cancer-predisposing syndrome. Last evaluated: 2023-03-02. Review status: criteria provided, single submitter. Criteria: Ambry Variant Classification Scheme 2023. Collection method: clinical testing. Allele origin: germline.
Comment: The p.V637I variant (also known as c.1909G>A) is located in coding exon 15 of the SDHA gene. The valine at codon 637 is replaced by isoleucine, an amino acid with highly similar properties. This change occurs in the first base pair of coding exon 15. This amino acid position is conserved. In addition, the in silico prediction for this alteration is inconclusive. Since supporting evidence is limited at this time, the clinical significance of this alteration remains unclear.

Labcorp Genetics (formerly Invitae), Labcorp
Classification: Uncertain significance for Pheochromocytoma/paraganglioma syndrome 5; Mitochondrial complex II deficiency, nuclear type 1. Last evaluated: 2022-11-28. Review status: criteria provided, single submitter. Criteria: Invitae Variant Classification Sherloc (09022015). Collection method: clinical testing. Allele origin: germline.
Comment: This variant has not been reported in the literature in individuals affected with SDHA-related conditions. This sequence change replaces valine, which is neutral and non-polar, with isoleucine, which is neutral and non-polar, at codon 637 of the SDHA protein (p.Val637Ile). This variant is not present in population databases (gnomAD no frequency). ClinVar contains an entry for this variant (Variation ID: 639620). Algorithms developed to predict the effect of missense changes on protein structure and function (SIFT, PolyPhen-2, Align-GVGD) all suggest that this variant is likely to be tolerated. In summary, the available evidence is currently insufficient to determine the role of this variant in disease. Therefore, it has been classified as a Variant of Uncertain Significance.